The following is an entry in ClinVar:

NM_001278716.2(FBXL4):c.702T>C (p.Leu234=)

Gene: FBXL4 (F-box and leucine rich repeat protein 4; minus strand). Cytogenetic location: 6q16.2.
Variant type: single nucleotide variant.
Coding change: c.702T>C on transcript NM_001278716.2 (MANE Select); coding-DNA position 702, T replaced by C.
Protein change: p.Leu234=; no amino-acid change (leucine 234 retained).
Molecular consequence: synonymous variant.
Genome position (GRCh38, 1-based): chr6:98,917,530, A>G on the plus strand (T>C on the coding strand, the complement: FBXL4 is on the minus strand). VCF-style: chr6-98917530-A-G. GRCh37 (hg19) VCF-style: chr6-99365406-A-G.
Other names: c.702T>C, p.Leu234= (NM_012160.5).
Identifiers: ClinVar variation 437617 (VCV000437617.10), dbSNP rs1554221171, ClinGen allele CA16020677.

ClinVar aggregate classification (germline): Conflicting classifications of pathogenicity. Review status: criteria provided, conflicting classifications (1 of 4 stars). 3 submissions from 3 submitters: Uncertain significance (1); Likely benign (2). Last evaluated 2021-12-02.

Conditions:
Mitochondrial DNA depletion syndrome 13. Also called: FBXL4-Related Encephalomyopathic Mitochondrial DNA Depletion Syndrome; Mitochondrial DNA depletion syndrome 13 (encephalomyopathic type). Identifiers: Orphanet 369897, MedGen C3809592, MONDO:0014198, OMIM 615471.

Allele frequency attached by ClinVar (database versions not stated): gnomAD exomes 0.00001.
gnomAD v4.1: 10 of 1,614,068 alleles (0.00062%); highest among the groups gnomAD compares: African/African-American, 0.0013%; no homozygotes.

Submissions (3):

Labcorp Genetics (formerly Invitae), Labcorp
Classification: Likely benign. Last evaluated: 2021-12-02. Review status: criteria provided, single submitter. Criteria: Invitae Variant Classification Sherloc (09022015). Collection method: clinical testing. Allele origin: germline.

GeneDx
Classification: Likely benign. Last evaluated: 2020-04-13. Review status: criteria provided, single submitter. Criteria: GeneDx Variant Classification Process June 2021. Collection method: clinical testing. Allele origin: germline. Affected: yes.

Wong Mito Lab, Molecular and Human Genetics, Baylor College of Medicine
Classification: Uncertain significance for Mitochondrial DNA depletion syndrome 13. Last evaluated: 2017-08-10. Review status: criteria provided, single submitter. Criteria: ACMG Guidelines, 2015. Collection method: reference population. Allele origin: germline.
Comment: The NM_012160.4:c.702T>C (NP_036292.2:p.Leu234=) [GRCH38: NC_000006.12:g.98917530A>G] variant in FBXL4 gene is interpretated to be a Uncertain Significance - Conflicting Evidence based on ACMG guidelines (PMID: 25741868). This variant meets one or more of the following evidence codes reported in the ACMG-guideline. PM2:This variant is absent in key population databases. BP4:Computational evidence/predictors indicate no impact on the FBXL4 structure, function, or protein-protein interaction. BP7:The variant is silent with non predicted splice impact. Based on this evidence code ClinGen Pathogenicity Calculator (PMID:28081714) suggested that the variant is Uncertain Significance - Conflicting Evidence.